The following is an entry in ClinVar:

ClinVar aggregate classification (germline): Uncertain significance. Review status: reviewed by expert panel (3 of 4 stars). 3 submissions from 3 submitters: Uncertain significance (1). 2 of the submissions do not count toward it. Last evaluated 2024-08-01.

Conditions:
Hereditary thrombocytopenia and hematological cancer predisposition syndrome associated with RUNX1. Also called: PLATELET DISORDER, ASPIRIN-LIKE; Familial Platelet Disorder with Propensity to Acute Myelogenous Leukemia; Familial thrombocytopenia with propensity to acute myelogenous leukemia; RUNX1 Familial Platelet Disorder with Associated Myeloid Malignancies. Identifiers: Orphanet 71290, MedGen C1832388, MeSH C563324, MONDO:0100083, OMIM 601399.
Hereditary thrombocytopenia and hematologic cancer predisposition syndrome. Identifiers: Orphanet 71290, MedGen CN281654, MONDO:0011071.
Inborn genetic diseases. Identifiers: MedGen C0950123, MeSH D030342.

Submissions (3):

ClinGen Myeloid Malignancy Variant Curation Expert Panel
Classification: Uncertain significance for Hereditary thrombocytopenia and hematologic cancer predisposition syndrome. Last evaluated: 2024-08-01. Review status: reviewed by expert panel. Criteria: ClinGen MyeloMalig ACMG Specifications v2. Collection method: curation. Allele origin: germline. Inheritance: Autosomal dominant inheritance.
Comment: NM_001754.5(RUNX1):c.792G>C (p.Gln264His) is a missense variant which is absent from gnomAD v2 and v3 (PM2_Supporting) and has only been reported in a patient with oligopolyposis (PMID: 31942411). The computational predictor REVEL gives a score of 0.392, which is below the threshold of 0.50, and the splice site predictor SpliceAI indicated that the variant has no impact on splicing, evidence that does not predict a damaging effect on RUNX1 function (BP4). In summary, this variant meets the criteria to be classified as a VUS for autosomal dominant hereditary thrombocytopenia and hematologic cancer predisposition syndrome based on the ACMG/AMP criteria applied, as specified by the ClinGen Myeloid Malignancy VCEP: PM2_Supporting and BP4.

Ambry Genetics
Classification: Uncertain significance for Inborn genetic diseases. Last evaluated: 2026-03-06. Review status: criteria provided, single submitter. Criteria: Ambry Variant Classification Scheme 2023. Collection method: clinical testing. Allele origin: germline. Not counted in ClinVar's aggregate classification.
Comment: The p.Q264H variant (also known as c.792G>C), located in coding exon 6 of the RUNX1 gene, results from a G to C substitution at nucleotide position 792. The glutamine at codon 264 is replaced by histidine, an amino acid with highly similar properties. This amino acid position is conserved. In addition, the in silico prediction for this alteration is inconclusive. Based on the available evidence, the clinical significance of this variant remains unclear.

Labcorp Genetics (formerly Invitae), Labcorp
Classification: Uncertain significance for Hereditary thrombocytopenia and hematological cancer predisposition syndrome associated with RUNX1. Last evaluated: 2022-05-26. Review status: criteria provided, single submitter. Criteria: Invitae Variant Classification Sherloc (09022015). Collection method: clinical testing. Allele origin: germline. Not counted in ClinVar's aggregate classification.
Comment: This variant has not been reported in the literature in individuals affected with RUNX1-related conditions. ClinVar contains an entry for this variant (Variation ID: 1040855). Algorithms developed to predict the effect of missense changes on protein structure and function (SIFT, PolyPhen-2, Align-GVGD) all suggest that this variant is likely to be tolerated. This variant is not present in population databases (gnomAD no frequency). This sequence change replaces glutamine, which is neutral and polar, with histidine, which is basic and polar, at codon 264 of the RUNX1 protein (p.Gln264His). In summary, the available evidence is currently insufficient to determine the role of this variant in disease. Therefore, it has been classified as a Variant of Uncertain Significance.

NM_001754.5(RUNX1):c.792G>C (p.Gln264His)

Gene: RUNX1 (RUNX family transcription factor 1; minus strand). Cytogenetic location: 21q22.12.
Variant type: single nucleotide variant.
Coding change: c.792G>C on transcript NM_001754.5 (MANE Select); coding-DNA position 792, G replaced by C.
Protein change: p.Gln264His; replaces glutamine 264 with histidine.
Molecular consequence: missense variant.
Genome position (GRCh38, 1-based): chr21:34,834,423, C>G on the plus strand (G>C on the coding strand, the complement: RUNX1 is on the minus strand). VCF-style: chr21-34834423-C-G. GRCh37 (hg19) VCF-style: chr21-36206720-C-G.
Other names: NM_001754.5(RUNX1):c.792G>C; p.Gln264His; c.792G>C (NM_001754.4); c.711G>C, p.Gln237His (NM_001001890.3, NM_001122607.2); short protein forms Q264H, Q237H.
Identifiers: ClinVar variation 1040855 (VCV001040855.8), dbSNP rs2057110893, ClinGen allele CA410206679.